The following is an entry in ClinVar:

ClinVar aggregate classification (germline): Uncertain significance. Review status: criteria provided, multiple submitters, no conflicts (2 of 4 stars). 2 submissions from 2 submitters: Uncertain significance (2). Last evaluated 2024-12-26.

Conditions:
Inborn genetic diseases. Identifiers: MedGen C0950123, MeSH D030342.

gnomAD v4.1: 2 of 1,567,030 alleles (0.00013%); highest among the groups gnomAD compares: Admixed American, 0.0035%; no homozygotes.

Submissions (2):

Labcorp Genetics (formerly Invitae), Labcorp
Classification: Uncertain significance. Last evaluated: 2024-12-26. Review status: criteria provided, single submitter. Criteria: Invitae Variant Classification Sherloc (09022015). Collection method: clinical testing. Allele origin: germline.
Comment: This sequence change replaces alanine, which is neutral and non-polar, with aspartic acid, which is acidic and polar, at codon 83 of the EPAS1 protein (p.Ala83Asp). This variant is not present in population databases (gnomAD no frequency). This variant has not been reported in the literature in individuals affected with EPAS1-related conditions. ClinVar contains an entry for this variant (Variation ID: 1792041). An algorithm developed to predict the effect of missense changes on protein structure and function (PolyPhen-2) suggests that this variant is likely to be tolerated. In summary, the available evidence is currently insufficient to determine the role of this variant in disease. Therefore, it has been classified as a Variant of Uncertain Significance.

Ambry Genetics
Classification: Uncertain significance for Inborn genetic diseases. Last evaluated: 2024-06-09. Review status: criteria provided, single submitter. Criteria: Ambry Variant Classification Scheme 2023. Collection method: clinical testing. Allele origin: germline.
Comment: The p.A83D variant (also known as c.248C>A), located in coding exon 3 of the EPAS1 gene, results from a C to A substitution at nucleotide position 248. The alanine at codon 83 is replaced by aspartic acid, an amino acid with dissimilar properties. This amino acid position is conserved. In addition, this alteration is predicted to be tolerated by in silico analysis. Since supporting evidence is limited at this time, the clinical significance of this alteration remains unclear.

NM_001430.5(EPAS1):c.248C>A (p.Ala83Asp)

Gene: EPAS1 (endothelial PAS domain protein 1; plus strand). Cytogenetic location: 2p21.
Variant type: single nucleotide variant.
Coding change: c.248C>A on transcript NM_001430.5 (MANE Select); coding-DNA position 248, C replaced by A.
Protein change: p.Ala83Asp; replaces alanine 83 with aspartic acid.
Molecular consequence: missense variant.
Genome position (GRCh38, 1-based): chr2:46,356,181, C>A. VCF-style: chr2-46356181-C-A. GRCh37 (hg19) VCF-style: chr2-46583320-C-A.
Other names: short protein forms A83D.
Identifiers: ClinVar variation 1792041 (VCV001792041.5), dbSNP rs1415532082, ClinGen allele CA346697724.
Genomic context (GRCh38, chr2:46,356,181, plus strand): 5'-GCAAGCTGTCCCACCCCCCCCCCTTTCCAGTTTGCTCTGAAAACGAGTCCGAAGCCGAAG[C>A]TGACCAGCAGATGGACAACTTGTACCTGAAAGCCTTGGAGGGTTTCATTGCCGTGGTGAC-3'
Protein context (NP_001421.2, residues 73-93): VCSENESEAE[Ala83Asp]DQQMDNLYLK